The following is an entry in ClinVar:

ClinVar aggregate classification (germline): Pathogenic (1 of 4 stars; one submission).

Conditions:
Hereditary cancer-predisposing syndrome. Also called: Neoplastic Syndromes, Hereditary; Tumor predisposition; Hereditary neoplastic syndrome; Hereditary Cancer Syndrome. Identifiers: Orphanet 140162, MedGen C0027672, MeSH D009386, MONDO:0015356.
Cardiovascular phenotype. Identifiers: MedGen CN230736.

Submission:

Ambry Genetics
Classification: Pathogenic for Cardiovascular phenotype; Hereditary cancer-predisposing syndrome. Last evaluated: 2024-02-07. Review status: criteria provided, single submitter. Criteria: Ambry Variant Classification Scheme 2023. Collection method: clinical testing. Allele origin: germline.
Comment: The c.2166delC pathogenic mutation, located in coding exon 18 of the LZTR1 gene, results from a deletion of one nucleotide at nucleotide position 2166, causing a translational frameshift with a predicted alternate stop codon (p.M723Cfs*44). This alteration is expected to result in loss of function by premature protein truncation or nonsense-mediated mRNA decay. Loss-of-function variants in LZTR1 are related to an increased risk for schwannomas and autosomal recessive Noonan syndrome; however, such associations with autosomal dominant Noonan syndrome have not been observed (Piotrowski A et al. Nat Genet. 2014 Feb;46:182-7; Yamamoto GL et al. J Med Genet. 2015 Jun;52:413-21; Johnston JJ et al. Genet Med. 2018 10;20:1175-1185). Based on the supporting evidence, this variant is pathogenic for an increased risk of LZTR1-related schwannomatosis (SWN) and would be expected to cause autosomal recessive Noonan syndrome when present along with a second pathogenic or likely pathogenic variant on the other allele; however, the association of this alteration with autosomal dominant Noonan syndrome is unlikely.

NM_006767.4(LZTR1):c.2166del (p.Met723fs)

Gene: LZTR1 (leucine zipper like post translational regulator 1; plus strand). Cytogenetic location: 22q11.21.
Variant type: Deletion.
Coding change: c.2166del on transcript NM_006767.4 (MANE Select); coding-DNA position 2166, one base deleted (C; older notation c.2166delC).
Protein change: p.Met723fs; shifts the reading frame from methionine 723.
Molecular consequence: frameshift variant.
Genome position (GRCh38, 1-based): chr22:20,996,059, C deleted; the last of 2 consecutive C bases (chr22:20,996,058-20,996,059); deleting either gives the same sequence. VCF-style (leftmost placement, unchanged base first): chr22-20996057-TC-T. GRCh37 (hg19) VCF-style: chr22-21350346-TC-T.
Other names: short protein forms M723fs.
Identifiers: ClinVar variation 3238211 (VCV003238211.1), dbSNP rs2518624625.